The following is an entry in ClinVar:

NM_021222.3(PRUNE1):c.1016A>G (p.Tyr339Cys)

Gene: PRUNE1 (prune exopolyphosphatase 1; plus strand). Cytogenetic location: 1q21.3.
Variant type: single nucleotide variant.
Coding change: c.1016A>G on transcript NM_021222.3 (MANE Select); coding-DNA position 1016, A replaced by G.
Protein change: p.Tyr339Cys; replaces tyrosine 339 with cysteine.
Molecular consequence: missense variant. On other transcripts: non-coding transcript variant (4).
Genome position (GRCh38, 1-based): chr1:151,033,888, A>G. VCF-style: chr1-151033888-A-G. GRCh37 (hg19) VCF-style: chr1-151006364-A-G.
Other names: c.470A>G, p.Tyr157Cys (NM_001303229.2); c.857A>G, p.Tyr286Cys (NM_001303242.2); c.413A>G, p.Tyr138Cys (NM_001303243.2); short protein forms Y286C, Y138C, Y157C, Y339C.
Identifiers: ClinVar variation 2072046 (VCV002072046.4), dbSNP rs369087771, ClinGen allele CA1083943.
Genomic context (GRCh38, chr1:151,033,888, plus strand): 5'-CCCACTCTCCACCCCTGAAGCTGACCCCTGCCTCAAGTACCCACCCTAACCTCCATGCCT[A>G]TCTTCAAGGCAACACCCAGGTCTCTCGAAAGAAACTTCTGCCCCTGCTCCAGGAAGCCCT-3'
Protein context (NP_067045.1, residues 329-349): ASSTHPNLHA[Tyr339Cys]LQGNTQVSRK

ClinVar aggregate classification (germline): Conflicting classifications of pathogenicity. Review status: criteria provided, conflicting classifications (1 of 4 stars). 2 submissions from 2 submitters: Uncertain significance (1); Likely benign (1). Last evaluated 2024-09-20.

Conditions:
Neurodevelopmental disorder with microcephaly, hypotonia, and variable brain anomalies (NMIHBA). Identifiers: Orphanet 544469, MedGen C4479566, MONDO:0060490, OMIM 617481.

Allele frequency attached by ClinVar (database versions not stated): TOPMed 0.00006; gnomAD 0.00007; ESP Exome Variant Server 0.00008; 1000 Genomes Project 30x 0.00016; ExAC 0.00019; 1000 Genomes Project 0.00020.
gnomAD v4.1: 113 of 1,613,604 alleles (0.007%); highest among the groups gnomAD compares: South Asian, 0.094%; no homozygotes.

Submissions (2):

3billion
Classification: Likely benign for Neurodevelopmental disorder with microcephaly, hypotonia, and variable brain anomalies. Last evaluated: 2024-09-20. Review status: criteria provided, single submitter. Criteria: ACMG Guidelines, 2015. Collection method: clinical testing. Allele origin: germline. Affected: no.
Comment: The homozygous variant was found in patients diagnosed with another variant in a different gene, with no symptoms related to the gene containing the homozygous variant.

Labcorp Genetics (formerly Invitae), Labcorp
Classification: Uncertain significance. Last evaluated: 2022-07-13. Review status: criteria provided, single submitter. Criteria: Invitae Variant Classification Sherloc (09022015). Collection method: clinical testing. Allele origin: germline.
Comment: This sequence change replaces tyrosine, which is neutral and polar, with cysteine, which is neutral and slightly polar, at codon 339 of the PRUNE1 protein (p.Tyr339Cys). This variant is present in population databases (rs369087771, gnomAD 0.1%). This variant has not been reported in the literature in individuals affected with PRUNE1-related conditions. Algorithms developed to predict the effect of missense changes on protein structure and function are either unavailable or do not agree on the potential impact of this missense change (SIFT: "Deleterious"; PolyPhen-2: "Probably Damaging"; Align-GVGD: "Class C0"). In summary, the available evidence is currently insufficient to determine the role of this variant in disease. Therefore, it has been classified as a Variant of Uncertain Significance.